The following is an entry in ClinVar:

NM_014974.3(DIP2C):c.1661C>G (p.Thr554Arg)

Gene: DIP2C (disco interacting protein 2 homolog C; minus strand). Cytogenetic location: 10p15.3.
Variant type: single nucleotide variant.
Coding change: c.1661C>G on transcript NM_014974.3 (MANE Select); coding-DNA position 1661, C replaced by G.
Protein change: p.Thr554Arg; replaces threonine 554 with arginine.
Molecular consequence: missense variant.
Genome position (GRCh38, 1-based): chr10:387,746, G>C on the plus strand (C>G on the coding strand, the complement: DIP2C is on the minus strand). VCF-style: chr10-387746-G-C. GRCh37 (hg19) VCF-style: chr10-433686-G-C.
Other names: short protein forms T554R.
Identifiers: ClinVar variation 3392895 (VCV003392895.1).

ClinVar aggregate classification (germline): Uncertain significance (1 of 4 stars; one submission).

gnomAD v4.1: 3 of 1,614,068 alleles (0.00019%); highest among the groups gnomAD compares: Non-Finnish European, 0.00025%; no homozygotes.

Submission:

GeneDx
Classification: Uncertain significance. Last evaluated: 2024-06-26. Review status: criteria provided, single submitter. Criteria: GeneDx Variant Classification Process June 2021. Collection method: clinical testing. Allele origin: germline. Affected: yes.
Comment: Not observed at significant frequency in large population cohorts (gnomAD); In silico analysis supports that this missense variant has a deleterious effect on protein structure/function; Has not been previously published as pathogenic or benign to our knowledge